The following is an entry in ClinVar:

NM_001378183.1(PIEZO2):c.4387G>A (p.Val1463Met)

Gene: PIEZO2 (piezo type mechanosensitive ion channel component 2; minus strand). Cytogenetic location: 18p11.22.
Variant type: single nucleotide variant.
Coding change: c.4387G>A on transcript NM_001378183.1 (MANE Select); coding-DNA position 4387, G replaced by A.
Protein change: p.Val1463Met; replaces valine 1463 with methionine.
Molecular consequence: missense variant.
Genome position (GRCh38, 1-based): chr18:10,748,508, C>T on the plus strand (G>A on the coding strand, the complement: PIEZO2 is on the minus strand). VCF-style: chr18-10748508-C-T. GRCh37 (hg19) VCF-style: chr18-10748506-C-T.
Other names: c.4387G>A, p.Val1463Met (NM_001410871.1); c.4312G>A, p.Val1438Met (NM_022068.4); short protein forms V1438M, V1463M.
Identifiers: ClinVar variation 2307605 (VCV002307605.6), dbSNP rs770850109, ClinGen allele CA296023252.

ClinVar aggregate classification (germline): Uncertain significance. Review status: criteria provided, multiple submitters, no conflicts (2 of 4 stars). 2 submissions from 2 submitters: Uncertain significance (2). Last evaluated 2025-04-20.

Conditions:
Inborn genetic diseases. Identifiers: MedGen C0950123, MeSH D030342.

Allele frequency attached by ClinVar (database versions not stated): gnomAD 0.00005; gnomAD exomes 0.00005.
gnomAD v4.1: 82 of 1,536,984 alleles (0.0053%); highest among the groups gnomAD compares: Non-Finnish European, 0.0065%; no homozygotes.

Submissions (2):

Ambry Genetics
Classification: Uncertain significance for Inborn genetic diseases. Last evaluated: 2025-04-20. Review status: criteria provided, single submitter. Criteria: Ambry Variant Classification Scheme 2023. Collection method: clinical testing. Allele origin: germline.

Labcorp Genetics (formerly Invitae), Labcorp
Classification: Uncertain significance. Last evaluated: 2023-10-06. Review status: criteria provided, single submitter. Criteria: Invitae Variant Classification Sherloc (09022015). Collection method: clinical testing. Allele origin: germline.
Comment: This sequence change replaces valine, which is neutral and non-polar, with methionine, which is neutral and non-polar, at codon 1438 of the PIEZO2 protein (p.Val1438Met). This variant is present in population databases (rs770850109, gnomAD 0.005%). This variant has not been reported in the literature in individuals affected with PIEZO2-related conditions. ClinVar contains an entry for this variant (Variation ID: 2307605). Advanced modeling of protein sequence and biophysical properties (such as structural, functional, and spatial information, amino acid conservation, physicochemical variation, residue mobility, and thermodynamic stability) performed at Invitae indicates that this missense variant is not expected to disrupt PIEZO2 protein function. In summary, the available evidence is currently insufficient to determine the role of this variant in disease. Therefore, it has been classified as a Variant of Uncertain Significance.